The following is an entry in ClinVar:

ClinVar aggregate classification (germline): Pathogenic (1 of 4 stars; one submission).

Submission:

GeneDx
Classification: Pathogenic. Last evaluated: 2016-06-28. Review status: criteria provided, single submitter. Criteria: GeneDx Variant Classification (06012015). Collection method: clinical testing. Allele origin: germline. Affected: yes.
Comment: The E777X pathogenic variant in the IQSEC2 gene has not been reported previously as a pathogenic variant nor as a benign variant, to our knowledge. This variant is predicted to cause loss of normal protein function either through protein truncation or nonsense-mediated mRNA decay. The E777X variant was not observed in approximately 6,500 individuals of European and African American ancestry in the NHLBI Exome Sequencing Project, indicating it is not a common benign variant in these populations. We interpret E777X as a pathogenic variant.

NM_001111125.3(IQSEC2):c.2329G>T (p.Glu777Ter)

Gene: IQSEC2 (IQ motif and Sec7 domain ArfGEF 2; minus strand). Cytogenetic location: Xp11.22.
Variant type: single nucleotide variant.
Coding change: c.2329G>T on transcript NM_001111125.3 (MANE Select); coding-DNA position 2329, G replaced by T.
Protein change: p.Glu777Ter; replaces glutamic acid 777 with a stop codon.
Molecular consequence: nonsense.
Genome position (GRCh38, 1-based): chrX:53,248,851, C>A on the plus strand (G>T on the coding strand, the complement: IQSEC2 is on the minus strand). VCF-style: chrX-53248851-C-A. GRCh37 (hg19) VCF-style: chrX-53278033-C-A.
Other names: c.1714G>T, p.Glu572Ter (NM_015075.2); short protein forms E777*, E572*.
Identifiers: ClinVar variation 280678 (VCV000280678.2), dbSNP rs782517076, ClinGen allele CA10603499.